The following is an entry in ClinVar:

ClinVar aggregate classification (germline): Uncertain significance. Review status: criteria provided, multiple submitters, no conflicts (2 of 4 stars). 2 submissions from 2 submitters: Uncertain significance (2). Last evaluated 2025-12-09.

Conditions:
Inborn genetic diseases. Identifiers: MedGen C0950123, MeSH D030342.

Allele frequency attached by ClinVar (database versions not stated): ExAC 0.00006; TOPMed 0.00007; gnomAD 0.00008; ESP Exome Variant Server 0.00016.
gnomAD v4.1: 250 of 1,606,882 alleles (0.016%); highest among the groups gnomAD compares: Non-Finnish European, 0.02%; no homozygotes.

Submissions (2):

Labcorp Genetics (formerly Invitae), Labcorp
Classification: Uncertain significance. Last evaluated: 2025-12-09. Review status: criteria provided, single submitter. Criteria: Invitae Variant Classification Sherloc (09022015). Collection method: clinical testing. Allele origin: germline.
Comment: This sequence change replaces arginine, which is basic and polar, with glutamine, which is neutral and polar, at codon 734 of the AP3D1 protein (p.Arg734Gln). This variant is present in population databases (rs371117784, gnomAD 0.01%). This variant has not been reported in the literature in individuals affected with AP3D1-related conditions. ClinVar contains an entry for this variant (Variation ID: 2071660). An algorithm developed to predict the effect of missense changes on protein structure and function outputs the following: PolyPhen-2: "Benign". The glutamine amino acid residue is found in multiple mammalian species, which suggests that this missense change does not adversely affect protein function. In summary, the available evidence is currently insufficient to determine the role of this variant in disease. Therefore, it has been classified as a Variant of Uncertain Significance.

Ambry Genetics
Classification: Uncertain significance for Inborn genetic diseases. Last evaluated: 2025-02-13. Review status: criteria provided, single submitter. Criteria: Ambry Variant Classification Scheme 2023. Collection method: clinical testing. Allele origin: germline.

NM_001261826.3(AP3D1):c.2201G>A (p.Arg734Gln)

Gene: AP3D1 (adaptor related protein complex 3 subunit delta 1; minus strand). Cytogenetic location: 19p13.3.
Variant type: single nucleotide variant.
Coding change: c.2201G>A on transcript NM_001261826.3 (MANE Select); coding-DNA position 2201, G replaced by A.
Protein change: p.Arg734Gln; replaces arginine 734 with glutamine.
Molecular consequence: missense variant.
Genome position (GRCh38, 1-based): chr19:2,115,367, C>T on the plus strand (G>A on the coding strand, the complement: AP3D1 is on the minus strand). VCF-style: chr19-2115367-C-T. GRCh37 (hg19) VCF-style: chr19-2115366-C-T.
Other names: c.2201G>A, p.Arg734Gln (NM_001374799.1, NM_003938.8); short protein forms R734Q.
Identifiers: ClinVar variation 2071660 (VCV002071660.6), dbSNP rs371117784, ClinGen allele CA9058959.